The following is an entry in ClinVar:

NM_001270.4(CHD1):c.208C>T (p.Arg70Ter)

Genes: CHD1 (chromodomain helicase DNA binding protein 1; minus strand), LOC126807465 (P300/CBP strongly-dependent group 1 enhancer GRCh37_chr5:98240158-98241357; plus strand). Cytogenetic location: 5q21.1.
Variant type: single nucleotide variant.
Coding change: c.208C>T on transcript NM_001270.4 (MANE Select); coding-DNA position 208, C replaced by T.
Protein change: p.Arg70Ter; replaces arginine 70 with a stop codon.
Molecular consequence: nonsense. On other transcripts: non-coding transcript variant (2).
Genome position (GRCh38, 1-based): chr5:98,904,944, G>A on the plus strand (C>T on the coding strand, the complement: CHD1 is on the minus strand). VCF-style: chr5-98904944-G-A. GRCh37 (hg19) VCF-style: chr5-98240648-G-A.
Other names: c.208C>T, p.Arg70Ter (NM_001364113.3, NM_001376194.2); short protein forms R70*.
Identifiers: ClinVar variation 1711606 (VCV001711606.31), dbSNP rs1751952250, ClinGen allele CA360523993.
Genomic context (GRCh38, chr5:98,904,944, plus strand): 5'-TTTTATTGATTACCTCAGCTCCATCAACTTTCGGTGGTTTTGCTTGAACTTTGTTTTCTC[G>A]GGAAGTGTCTGACTCAGACTCTGACTGACTGCCTGATTCAGATCCGGAGTCAGAGTCACT-3'

ClinVar aggregate classification (germline): Uncertain significance. Review status: criteria provided, multiple submitters, no conflicts (2 of 4 stars). 2 submissions from 2 submitters: Uncertain significance (2). Last evaluated 2022-08-01.

Submissions (2):

CeGaT Center for Human Genetics Tuebingen
Classification: Uncertain significance. Last evaluated: 2022-08-01. Review status: criteria provided, single submitter. Criteria: CeGaT Center For Human Genetics Tuebingen Variant Classification Criteria Version 2. Collection method: clinical testing. Allele origin: germline. Affected: yes. Observed: 1 variant allele.
Comment: CHD1: PM2

Blueprint Genetics
Classification: Uncertain significance. Last evaluated: 2022-05-13. Review status: criteria provided, single submitter. Criteria: ACMG Guidelines, 2015. Collection method: clinical testing. Allele origin: germline.